The following is an entry in ClinVar:

ClinVar aggregate classification (germline): Uncertain significance (1 of 4 stars; one submission).

Conditions:
Spondyloenchondrodysplasia with immune dysregulation (SPENCDI). Also called: COMBINED IMMUNODEFICIENCY WITH AUTOIMMUNITY AND SPONDYLOMETAPHYSEAL DYSPLASIA; ROIFMAN IMMUNOSKELETAL SYNDROME; SPONDYLOENCHONDRODYSPLASIA WITH OR WITHOUT IMMUNE DYSREGULATION. Identifiers: Orphanet 1855, MedGen C1842763, MONDO:0011939, OMIM 607944.

Allele frequency attached by ClinVar (database versions not stated): gnomAD exomes 0.00001 and 0.00002; ExAC 0.00002.
gnomAD v4.1: 8 of 1,613,886 alleles (0.0005%); highest among the groups gnomAD compares: South Asian, 0.0011%; no homozygotes.

Submission:

Labcorp Genetics (formerly Invitae), Labcorp
Classification: Uncertain significance for Spondyloenchondrodysplasia with immune dysregulation. Last evaluated: 2023-12-27. Review status: criteria provided, single submitter. Criteria: Invitae Variant Classification Sherloc (09022015). Collection method: clinical testing. Allele origin: germline.
Comment: This sequence change replaces glutamine, which is neutral and polar, with leucine, which is neutral and non-polar, at codon 145 of the ACP5 protein (p.Gln145Leu). This variant is present in population databases (rs776392911, gnomAD 0.004%). This variant has not been reported in the literature in individuals affected with ACP5-related conditions. ClinVar contains an entry for this variant (Variation ID: 1436649). An algorithm developed to predict the effect of missense changes on protein structure and function (PolyPhen-2) suggests that this variant is likely to be tolerated. In summary, the available evidence is currently insufficient to determine the role of this variant in disease. Therefore, it has been classified as a Variant of Uncertain Significance.

NM_001611.5(ACP5):c.434A>T (p.Gln145Leu)

Gene: ACP5 (acid phosphatase 5, tartrate resistant; minus strand). Cytogenetic location: 19p13.2.
Variant type: single nucleotide variant.
Coding change: c.434A>T on transcript NM_001611.5 (MANE Select); coding-DNA position 434, A replaced by T.
Protein change: p.Gln145Leu; replaces glutamine 145 with leucine.
Molecular consequence: missense variant.
Genome position (GRCh38, 1-based): chr19:11,576,544, T>A on the plus strand (A>T on the coding strand, the complement: ACP5 is on the minus strand). VCF-style: chr19-11576544-T-A. GRCh37 (hg19) VCF-style: chr19-11687359-T-A.
Other names: c.434A>T, p.Gln145Leu (NM_001111034.3, NM_001111035.3, NM_001111036.3 and 1 more transcripts); short protein forms Q145L.
Identifiers: ClinVar variation 1436649 (VCV001436649.6), dbSNP rs776392911, ClinGen allele CA9215410.